The following is an entry in ClinVar:

NM_173598.6(KSR2):c.1112G>A (p.Gly371Glu)

Gene: KSR2 (kinase suppressor of ras 2; minus strand). Cytogenetic location: 12q24.22.
Variant type: single nucleotide variant.
Coding change: c.1112G>A on transcript NM_173598.6 (MANE Select); coding-DNA position 1112, G replaced by A.
Protein change: p.Gly371Glu; replaces glycine 371 with glutamic acid.
Molecular consequence: missense variant.
Genome position (GRCh38, 1-based): chr12:117,667,533, C>T on the plus strand (G>A on the coding strand, the complement: KSR2 is on the minus strand). VCF-style: chr12-117667533-C-T. GRCh37 (hg19) VCF-style: chr12-118105338-C-T.
Other names: short protein forms G371E.
Identifiers: ClinVar variation 4989098 (VCV004989098.1).

ClinVar aggregate classification (germline): Uncertain significance (1 of 4 stars; one submission).

Conditions:
KSR2-related disorder. Also called: KSR2-related condition.

Submission:

PreventionGenetics, part of Exact Sciences
Classification: Uncertain significance for KSR2-related condition. Last evaluated: 2026-06-06. Review status: criteria provided, single submitter. Criteria: ACMG Guidelines, 2015. Collection method: clinical testing. Allele origin: germline.
Comment: The KSR2 c.1025G>A variant is predicted to result in the amino acid substitution p.Gly342Glu. To our knowledge, this variant has not been reported in the literature or in a large population database (gnomAD), indicating this variant is rare. At this time, the clinical significance of this variant is uncertain due to the absence of conclusive functional and genetic evidence.